The following is an entry in ClinVar:

ClinVar aggregate classification (germline): Uncertain significance (1 of 4 stars; one submission).

Conditions:
Familial melanoma. Also called: Hereditary melanoma; Hereditary cutaneous melanoma. Identifiers: Orphanet 618, MedGen C1512419, MONDO:0018961.

Submission:

Labcorp Genetics (formerly Invitae), Labcorp
Classification: Uncertain significance for Familial melanoma. Last evaluated: 2021-08-13. Review status: criteria provided, single submitter. Criteria: Invitae Variant Classification Sherloc (09022015). Collection method: clinical testing. Allele origin: germline.
Comment: This sequence change replaces valine with leucine at codon 46 of the CDKN2A (p14ARF) protein (p.Val46Leu). The valine residue is highly conserved and there is a small physicochemical difference between valine and leucine. This variant is not present in population databases (ExAC no frequency). This variant has not been reported in the literature in individuals affected with CDKN2A (p14ARF)-related conditions. Algorithms developed to predict the effect of missense changes on protein structure and function output the following: SIFT: "Tolerated"; PolyPhen-2: "Possibly Damaging"; Align-GVGD: "Class C0". The leucine amino acid residue is found in multiple mammalian species, which suggests that this missense change does not adversely affect protein function. In summary, the available evidence is currently insufficient to determine the role of this variant in disease. Therefore, it has been classified as a Variant of Uncertain Significance.

NM_058195.4(CDKN2A):c.136G>C (p.Val46Leu)

Gene: CDKN2A (cyclin dependent kinase inhibitor 2A; minus strand). Cytogenetic location: 9p21.3.
Variant type: single nucleotide variant.
Coding change: c.136G>C on transcript NM_058195.4 (MANE Plus Clinical); coding-DNA position 136, G replaced by C.
Protein change: p.Val46Leu; replaces valine 46 with leucine.
Molecular consequence: missense variant. On other transcripts: intron variant (1).
Genome position (GRCh38, 1-based): chr9:21,994,196, C>G on the plus strand (G>C on the coding strand, the complement: CDKN2A is on the minus strand). VCF-style: chr9-21994196-C-G. GRCh37 (hg19) VCF-style: chr9-21994195-C-G.
Other names: c.-4+625G>C (NM_001363763.2); short protein forms V46L.
Identifiers: ClinVar variation 1350652 (VCV001350652.2), dbSNP rs786203467, ClinGen allele CA373086878.